The following is an entry in ClinVar:

ClinVar aggregate classification (germline): Uncertain significance. Review status: criteria provided, multiple submitters, no conflicts (2 of 4 stars). 4 submissions from 4 submitters: Uncertain significance (4). Last evaluated 2024-10-29.

Conditions:
Hereditary cancer-predisposing syndrome. Also called: Neoplastic Syndromes, Hereditary; Tumor predisposition; Hereditary neoplastic syndrome; Hereditary Cancer Syndrome. Identifiers: Orphanet 140162, MedGen C0027672, MeSH D009386, MONDO:0015356.
Familial cancer of breast. Also called: hereditary breast carcinoma; BREAST CANCER, FAMILIAL; Hereditary breast cancer. Identifiers: Orphanet 227535, MedGen C0346153, MONDO:0016419, OMIM 114480. Disease mechanism: loss of function.

Submissions (4):

Quest Diagnostics Nichols Institute San Juan Capistrano
Classification: Uncertain significance. Last evaluated: 2024-10-29. Review status: criteria provided, single submitter. Criteria: Quest Diagnostics criteria. Collection method: clinical testing. Allele origin: unknown.
Comment: The BARD1 c.2174G>C (p.Arg725Thr) variant has not been reported in individuals with BARD1-related conditions in the published literature. It also has not been reported in large, multi-ethnic general populations (Genome Aggregation Database). Analysis of this variant using bioinformatics tools for the prediction of the effect of amino acid changes on protein structure and function yielded predictions that this variant is benign. Based on the available information, we are unable to determine the clinical significance of this variant.

GeneDx
Classification: Uncertain significance. Last evaluated: 2024-02-06. Review status: criteria provided, single submitter. Criteria: GeneDx Variant Classification Process June 2021. Collection method: clinical testing. Allele origin: germline. Affected: yes.
Comment: Not observed at significant frequency in large population cohorts (gnomAD); In silico analysis supports that this missense variant does not alter protein structure/function; Has not been previously published as pathogenic or benign to our knowledge; This variant is associated with the following publications: (PMID: 17550235)

Ambry Genetics
Classification: Uncertain significance for Hereditary cancer-predisposing syndrome. Last evaluated: 2023-01-28. Review status: criteria provided, single submitter. Criteria: Ambry Variant Classification Scheme 2023. Collection method: clinical testing. Allele origin: germline.
Comment: The p.R725T variant (also known as c.2174G>C), located in coding exon 11 of the BARD1 gene, results from a G to C substitution at nucleotide position 2174. The arginine at codon 725 is replaced by threonine, an amino acid with similar properties. This amino acid position is conserved. In addition, this alteration is predicted to be tolerated by in silico analysis. Since supporting evidence is limited at this time, the clinical significance of this alteration remains unclear.

Labcorp Genetics (formerly Invitae), Labcorp
Classification: Uncertain significance for Familial cancer of breast. Last evaluated: 2018-12-10. Review status: criteria provided, single submitter. Criteria: Invitae Variant Classification Sherloc (09022015). Collection method: clinical testing. Allele origin: germline.
Comment: In summary, the available evidence is currently insufficient to determine the role of this variant in disease. Therefore, it has been classified as a Variant of Uncertain Significance. Algorithms developed to predict the effect of missense changes on protein structure and function (SIFT, PolyPhen-2, Align-GVGD) all suggest that this variant is likely to be tolerated, but these predictions have not been confirmed by published functional studies and their clinical significance is uncertain. This variant has not been reported in the literature in individuals with BARD1-related conditions. This variant is not present in population databases (ExAC no frequency). This sequence change replaces arginine with threonine at codon 725 of the BARD1 protein (p.Arg725Thr). The arginine residue is weakly conserved and there is a moderate physicochemical difference between arginine and threonine.

NM_000465.4(BARD1):c.2174G>C (p.Arg725Thr)

Gene: BARD1 (BRCA1 associated RING domain 1; minus strand). Cytogenetic location: 2q35.
Variant type: single nucleotide variant.
Coding change: c.2174G>C on transcript NM_000465.4 (MANE Select); coding-DNA position 2174, G replaced by C.
Protein change: p.Arg725Thr; replaces arginine 725 with threonine.
Molecular consequence: missense variant. On other transcripts: non-coding transcript variant (3).
Genome position (GRCh38, 1-based): chr2:214,728,836, C>G on the plus strand (G>C on the coding strand, the complement: BARD1 is on the minus strand). VCF-style: chr2-214728836-C-G. GRCh37 (hg19) VCF-style: chr2-215593560-C-G.
Other names: c.2117G>C, p.Arg706Thr (NM_001282543.2); c.821G>C, p.Arg274Thr (NM_001282545.2); c.764G>C, p.Arg255Thr (NM_001282548.2); c.635G>C, p.Arg212Thr (NM_001282549.2); c.2174G>C (NM_000465.2); short protein forms R212T, R274T, R255T, R706T, R725T.
Identifiers: ClinVar variation 642344 (VCV000642344.13), dbSNP rs1559372078, ClinGen allele CA350450377.